The following is an entry in ClinVar:

NM_001190274.2(FBXO11):c.1850T>C (p.Leu617Pro)

Gene: FBXO11 (F-box protein 11; minus strand). Cytogenetic location: 2p16.3.
Variant type: single nucleotide variant.
Coding change: c.1850T>C on transcript NM_001190274.2 (MANE Select); coding-DNA position 1850, T replaced by C.
Protein change: p.Leu617Pro; replaces leucine 617 with proline.
Molecular consequence: missense variant.
Genome position (GRCh38, 1-based): chr2:47,819,026, A>G on the plus strand (T>C on the coding strand, the complement: FBXO11 is on the minus strand). VCF-style: chr2-47819026-A-G. GRCh37 (hg19) VCF-style: chr2-48046165-A-G.
Other names: c.1598T>C, p.Leu533Pro (NM_001374325.1, NM_025133.4); short protein forms L533P, L617P.
Identifiers: ClinVar variation 3893308 (VCV003893308.2).

ClinVar aggregate classification (germline): Likely pathogenic (1 of 4 stars; one submission).

Submission:

GeneDx
Classification: Likely pathogenic. Last evaluated: 2026-04-26. Review status: criteria provided, single submitter. Criteria: GeneDx Variant Classification Process June 2021. Collection method: clinical testing. Allele origin: germline.
Comment: Not observed at significant frequency in large population cohorts (gnomAD); In silico analysis supports that this missense variant has a deleterious effect on protein structure/function; Has not been previously published as pathogenic or benign to our knowledge